The following is an entry in ClinVar:

NM_012144.4(DNAI1):c.1495G>A (p.Gly499Ser)

Gene: DNAI1 (dynein axonemal intermediate chain 1; plus strand). Cytogenetic location: 9p13.3.
Variant type: single nucleotide variant.
Coding change: c.1495G>A on transcript NM_012144.4 (MANE Select); coding-DNA position 1495, G replaced by A.
Protein change: p.Gly499Ser; replaces glycine 499 with serine.
Molecular consequence: missense variant.
Genome position (GRCh38, 1-based): chr9:34,513,117, G>A. VCF-style: chr9-34513117-G-A. GRCh37 (hg19) VCF-style: chr9-34513115-G-A.
Other names: c.1507G>A, p.Gly503Ser (NM_001281428.2); c.1495G>A (NM_012144.2); short protein forms G499S, G503S.
Identifiers: ClinVar variation 569349 (VCV000569349.4), dbSNP rs1412970451, ClinGen allele CA373261583.
Genomic context (GRCh38, chr9:34,513,117, plus strand): 5'-CTGGGAGCCTCCCTCTTGGAACTGGGCTAAGCCTGCCCCTCCCTCTTTTCCCAAGGTTGT[G>A]GCACTGCCTTTGACTTCCACAAAGAGATTGACTACATGTTCCTAGTGGGCACAGAGGAGG-3'
Protein context (NP_036276.1, residues 489-509): EGLQLHPVGC[Gly499Ser]TAFDFHKEID

ClinVar aggregate classification (germline): Uncertain significance. Review status: criteria provided, multiple submitters, no conflicts (2 of 4 stars). 2 submissions from 2 submitters: Uncertain significance (2). Last evaluated 2025-06-29.

Conditions:
Primary ciliary dyskinesia. Also called: Ciliary dyskinesia. Identifiers: Orphanet 244, MedGen C0008780, MONDO:0016575, HP:0012265.

Allele frequency attached by ClinVar (database versions not stated): gnomAD exomes below 0.00001; gnomAD 0.00001.
gnomAD v4.1: 2 of 1,613,928 alleles (0.00012%); highest among the groups gnomAD compares: African/African-American, 0.0013%; no homozygotes.

Submissions (2):

Ambry Genetics
Classification: Uncertain significance for Primary ciliary dyskinesia. Last evaluated: 2025-06-29. Review status: criteria provided, single submitter. Criteria: Ambry Variant Classification Scheme 2023. Collection method: clinical testing. Allele origin: germline.

Labcorp Genetics (formerly Invitae), Labcorp
Classification: Uncertain significance for Primary ciliary dyskinesia. Last evaluated: 2021-08-28. Review status: criteria provided, single submitter. Criteria: Invitae Variant Classification Sherloc (09022015). Collection method: clinical testing. Allele origin: germline.
Comment: This sequence change replaces glycine with serine at codon 499 of the DNAI1 protein (p.Gly499Ser). The glycine residue is highly conserved and there is a small physicochemical difference between glycine and serine. This variant is not present in population databases (ExAC no frequency). This variant has not been reported in the literature in individuals affected with DNAI1-related conditions. Algorithms developed to predict the effect of missense changes on protein structure and function are either unavailable or do not agree on the potential impact of this missense change (SIFT: "Tolerated"; PolyPhen-2: "Probably Damaging"; Align-GVGD: "Class C0"). In summary, the available evidence is currently insufficient to determine the role of this variant in disease. Therefore, it has been classified as a Variant of Uncertain Significance.